The following is an entry in ClinVar:

ClinVar aggregate classification (germline): Uncertain significance. Review status: criteria provided, multiple submitters, no conflicts (2 of 4 stars). 2 submissions from 2 submitters: Uncertain significance (2). Last evaluated 2022-08-06.

Conditions:
Pierson syndrome. Also called: MICROCORIA-CONGENITAL NEPHROTIC SYNDROME. Identifiers: Orphanet 2670, MedGen C1836876, MONDO:0012184, OMIM 609049.
LAMB2-related infantile-onset nephrotic syndrome. Also called: Nephrotic Syndrome, type 5; NEPHROTIC SYNDROME, TYPE 5, WITHOUT OCULAR ABNORMALITIES; NEPHROTIC SYNDROME, TYPE 5, WITH OCULAR ABNORMALITIES. Identifiers: Orphanet 306507, MedGen C3280113, MONDO:0013621, OMIM 614199.

Allele frequency attached by ClinVar (database versions not stated): gnomAD 0.00004.

Submissions (2):

Labcorp Genetics (formerly Invitae), Labcorp
Classification: Uncertain significance for LAMB2-related infantile-onset nephrotic syndrome; Pierson syndrome. Last evaluated: 2022-08-06. Review status: criteria provided, single submitter. Criteria: Invitae Variant Classification Sherloc (09022015). Collection method: clinical testing. Allele origin: germline.
Comment: This sequence change replaces arginine, which is basic and polar, with proline, which is neutral and non-polar, at codon 1334 of the LAMB2 protein (p.Arg1334Pro). This variant is present in population databases (no rsID available, gnomAD 0.006%). This variant has not been reported in the literature in individuals affected with LAMB2-related conditions. ClinVar contains an entry for this variant (Variation ID: 624025). Algorithms developed to predict the effect of missense changes on protein structure and function are either unavailable or do not agree on the potential impact of this missense change (SIFT: "Deleterious"; PolyPhen-2: "Possibly Damaging"; Align-GVGD: "Class C0"). In summary, the available evidence is currently insufficient to determine the role of this variant in disease. Therefore, it has been classified as a Variant of Uncertain Significance.

CeGaT Center for Human Genetics Tuebingen
Classification: Uncertain significance. Last evaluated: 2018-04-01. Review status: criteria provided, single submitter. Criteria: CeGaT Center For Human Genetics Tuebingen Variant Classification Criteria Version 2. Collection method: clinical testing. Allele origin: germline. Affected: yes. Observed: 1 variant allele.

NM_002292.4(LAMB2):c.4001G>C (p.Arg1334Pro)

Gene: LAMB2 (laminin subunit beta 2; minus strand). Cytogenetic location: 3p21.31.
Variant type: single nucleotide variant.
Coding change: c.4001G>C on transcript NM_002292.4 (MANE Select); coding-DNA position 4001, G replaced by C.
Protein change: p.Arg1334Pro; replaces arginine 1334 with proline.
Molecular consequence: missense variant.
Genome position (GRCh38, 1-based): chr3:49,123,355, C>G on the plus strand (G>C on the coding strand, the complement: LAMB2 is on the minus strand). VCF-style: chr3-49123355-C-G. GRCh37 (hg19) VCF-style: chr3-49160788-C-G.
Other names: short protein forms R1334P.
Identifiers: ClinVar variation 624025 (VCV000624025.48), dbSNP rs144783830, ClinGen allele CA352697746.